The following is an entry in ClinVar:

ClinVar aggregate classification (germline): Pathogenic (1 of 4 stars; one submission).

Submission:

Labcorp Genetics (formerly Invitae), Labcorp
Classification: Pathogenic. Last evaluated: 2021-09-26. Review status: criteria provided, single submitter. Criteria: Invitae Variant Classification Sherloc (09022015). Collection method: clinical testing. Allele origin: germline.
Comment: For these reasons, this variant has been classified as Pathogenic. This variant disrupts the p.Asp376 amino acid residue in COMP. Other variant(s) that disrupt this residue have been determined to be pathogenic (PMID: 15756302; Invitae). This suggests that this residue is clinically significant, and that variants that disrupt this residue are likely to be disease-causing. Advanced modeling of protein sequence and biophysical properties (such as structural, functional, and spatial information, amino acid conservation, physicochemical variation, residue mobility, and thermodynamic stability) performed at Invitae indicates that this missense variant is expected to disrupt COMP protein function. This missense change has been observed in individuals with clinical features of COMP-related conditions (PMID: 21965141; Invitae). This variant is not present in population databases (ExAC no frequency). This sequence change replaces aspartic acid with histidine at codon 376 of the COMP protein (p.Asp376His). The aspartic acid residue is highly conserved and there is a moderate physicochemical difference between aspartic acid and histidine.

Literature cited by the submitters: PubMed 15756302; PubMed 21965141.

NM_000095.3(COMP):c.1126G>C (p.Asp376His)

Gene: COMP (cartilage oligomeric matrix protein; minus strand). Cytogenetic location: 19p13.11.
Variant type: single nucleotide variant.
Coding change: c.1126G>C on transcript NM_000095.3 (MANE Select); coding-DNA position 1126, G replaced by C.
Protein change: p.Asp376His; replaces aspartic acid 376 with histidine.
Molecular consequence: missense variant.
Genome position (GRCh38, 1-based): chr19:18,787,500, C>G on the plus strand (G>C on the coding strand, the complement: COMP is on the minus strand). VCF-style: chr19-18787500-C-G. GRCh37 (hg19) VCF-style: chr19-18898309-C-G.
Other names: short protein forms D376H.
Identifiers: ClinVar variation 1415145 (VCV001415145.6), dbSNP rs1555791556, ClinGen allele CA404887729.